The following is an entry in ClinVar:

NM_201384.3(PLEC):c.3467C>A (p.Ala1156Glu)

Gene: PLEC (plectin; minus strand). Cytogenetic location: 8q24.3.
Variant type: single nucleotide variant.
Coding change: c.3467C>A on transcript NM_201384.3 (MANE Select); coding-DNA position 3467, C replaced by A.
Protein change: p.Ala1156Glu; replaces alanine 1156 with glutamic acid.
Molecular consequence: missense variant.
Genome position (GRCh38, 1-based): chr8:143,927,699, G>T on the plus strand (C>A on the coding strand, the complement: PLEC is on the minus strand). VCF-style: chr8-143927699-G-T. GRCh37 (hg19) VCF-style: chr8-145001867-G-T.
Other names: c.3548C>A (NM_000445.3); c.3548C>A, p.Ala1183Glu (NM_000445.5); c.3425C>A, p.Ala1142Glu (NM_201378.4); c.3401C>A, p.Ala1134Glu (NM_201379.3); c.3878C>A, p.Ala1293Glu (NM_201380.4); c.3371C>A, p.Ala1124Glu (NM_201381.3); c.3467C>A, p.Ala1156Glu (NM_201382.4); c.3479C>A, p.Ala1160Glu (NM_201383.3); short protein forms A1124E, A1183E, A1142E, A1134E, A1156E, A1160E, A1293E.
Identifiers: ClinVar variation 1406904 (VCV001406904.15), dbSNP rs782294942, ClinGen allele CA4927054.

ClinVar aggregate classification (germline): Uncertain significance. Review status: criteria provided, multiple submitters, no conflicts (2 of 4 stars). 3 submissions from 3 submitters: Uncertain significance (3). Last evaluated 2025-12-09.

Conditions:
Epidermolysis bullosa simplex 5C, with pyloric atresia (EBS5C). Also called: Epidermolysis bullosa simplex with pyloric atresia; PLEC-Related Epidermolysis Bullosa with Pyloric Atresia; PLEC1-Related Epidermolysis Bullosa with Pyloric Atresia. Identifiers: Orphanet 158684, MedGen C2677349, MONDO:0012807, OMIM 612138.
Epidermolysis bullosa simplex with nail dystrophy (EBS5D). Identifiers: MedGen C4225309, MONDO:0014661, OMIM 616487.
Epidermolysis bullosa simplex 5B, with muscular dystrophy (EBS5B). Also called: Epidermolysis bullosa simplex with muscular dystrophy; EPIDERMOLYSIS BULLOSA SIMPLEX AND LIMB-GIRDLE MUSCULAR DYSTROPHY. Identifiers: Orphanet 257, MedGen C2931072, MONDO:0009181, OMIM 226670.
Autosomal recessive limb-girdle muscular dystrophy type 2Q (LGMDR17). Also called: MUSCULAR DYSTROPHY, LIMB-GIRDLE, AUTOSOMAL RECESSIVE 17. Identifiers: Orphanet 254361, MedGen C3150989, MONDO:0013390, OMIM 613723.
Epidermolysis bullosa simplex, Ogna type (EBS5A). Also called: Pidermolysis bullosa simplex 5A, Ogna type; EPIDERMOLYSIS BULLOSA SIMPLEX 5A, OGNA TYPE. Identifiers: Orphanet 79401, MedGen C0432317, MONDO:0007555, OMIM 131950.
Inborn genetic diseases. Identifiers: MedGen C0950123, MeSH D030342.

Allele frequency attached by ClinVar (database versions not stated): gnomAD exomes 0.00001 and 0.00002; ExAC 0.00002; gnomAD 0.00002; TOPMed 0.00003.

Submissions (3):

Labcorp Genetics (formerly Invitae), Labcorp
Classification: Uncertain significance for Autosomal recessive limb-girdle muscular dystrophy type 2Q; Epidermolysis bullosa simplex, Ogna type; Epidermolysis bullosa simplex with nail dystrophy; Epidermolysis bullosa simplex 5C, with pyloric atresia; Epidermolysis bullosa simplex 5B, with muscular dystrophy. Last evaluated: 2025-12-09. Review status: criteria provided, single submitter. Criteria: Invitae Variant Classification Sherloc (09022015). Collection method: clinical testing. Allele origin: germline.
Comment: This sequence change replaces alanine, which is neutral and non-polar, with glutamic acid, which is acidic and polar, at codon 1183 of the PLEC protein (p.Ala1183Glu). The frequency data for this variant in the population databases is considered unreliable, as metrics indicate poor data quality at this position in the gnomAD database. This variant has not been reported in the literature in individuals affected with PLEC-related conditions. ClinVar contains an entry for this variant (Variation ID: 1406904). Invitae Evidence Modeling of protein sequence and biophysical properties (such as structural, functional, and spatial information, amino acid conservation, physicochemical variation, residue mobility, and thermodynamic stability) indicates that this missense variant is not expected to disrupt PLEC protein function with a negative predictive value of 80%. In summary, the available evidence is currently insufficient to determine the role of this variant in disease. Therefore, it has been classified as a Variant of Uncertain Significance.

Ambry Genetics
Classification: Uncertain significance for Inborn genetic diseases. Last evaluated: 2022-11-08. Review status: criteria provided, single submitter. Criteria: Ambry Variant Classification Scheme 2023. Collection method: clinical testing. Allele origin: germline.

Revvity Omics, Revvity
Classification: Uncertain significance. Last evaluated: 2021-02-12. Review status: criteria provided, single submitter. Criteria: ACMG Guidelines, 2015. Collection method: clinical testing. Allele origin: germline.